The following is an entry in ClinVar:

ClinVar aggregate classification (germline): Benign/Likely benign. Review status: criteria provided, multiple submitters, no conflicts (2 of 4 stars). 8 submissions from 8 submitters: Benign (1); Likely benign (4). 3 of the submissions do not count toward it. Last evaluated 2026-01-27.

Conditions:
NEBL-related disorder. Also called: NEBL-related condition.
Primary dilated cardiomyopathy (DCM). Also called: Dilated Cardiomyopathy. Identifiers: Orphanet 217604, MedGen C0007193, MeSH D002311, MONDO:0005021, HP:0001644. Inheritance: Various modes of inheritance.

Allele frequency attached by ClinVar (database versions not stated): ExAC 0.00109; gnomAD exomes 0.00110 and 0.00212; 1000 Genomes Project 30x 0.00125; gnomAD 0.00132 and 0.00134; ESP Exome Variant Server 0.00138; 1000 Genomes Project 0.00140; TOPMed 0.00161.
gnomAD v4.1: 3,336 of 1,613,980 alleles (0.21%); highest among the groups gnomAD compares: Non-Finnish European, 0.26%; 7 homozygotes.

Submissions (8):

Labcorp Genetics (formerly Invitae), Labcorp
Classification: Benign for Primary dilated cardiomyopathy. Last evaluated: 2026-01-27. Review status: criteria provided, single submitter. Criteria: Invitae Variant Classification Sherloc (09022015). Collection method: clinical testing. Allele origin: germline.

Ambry Genetics
Classification: Likely benign. Last evaluated: 2025-08-25. Review status: criteria provided, single submitter. Criteria: Ambry Variant Classification Scheme 2023. Collection method: clinical testing. Allele origin: germline.

Women's Health and Genetics/Laboratory Corporation of America, LabCorp
Classification: Likely benign. Last evaluated: 2023-08-19. Review status: criteria provided, single submitter. Criteria: LabCorp Variant Classification Summary - May 2015. Collection method: clinical testing. Allele origin: germline.

GeneDx
Classification: Likely benign. Last evaluated: 2021-04-24. Review status: criteria provided, single submitter. Criteria: GeneDx Variant Classification Process June 2021. Collection method: clinical testing. Allele origin: germline. Affected: yes.

Laboratory for Molecular Medicine, Mass General Brigham Personalized Medicine
Classification: Likely benign. Last evaluated: 2017-09-04. Review status: criteria provided, single submitter. Criteria: LMM Criteria. Collection method: clinical testing. Allele origin: germline. Observed: 6 variant alleles.
Comment: p.Ile828Val in exon 24 of NEBL: This variant is not expected to have clinical si gnificance due to a lack conservation across species, including mammals. Of note , 15 mammals have a Valine (Val) at this position despite high nearby amino acid conservation. In addition, computational prediction tools do not suggest a high likelihood of impact to the protein. It has been identified in 0.2% (234/126492 ) of European chromosomes by the Genome Aggregation Database (gnomAD; dbSNP rs143930021).

PreventionGenetics, part of Exact Sciences
Classification: Likely benign for NEBL-related condition. Last evaluated: 2023-06-29. Review status: no assertion criteria provided. Collection method: clinical testing. Allele origin: germline. Not counted in ClinVar's aggregate classification.
Comment: This variant is classified as likely benign based on ACMG/AMP sequence variant interpretation guidelines (Richards et al. 2015 PMID: 25741868, with internal and published modifications).

Clinical Genetics DNA and cytogenetics Diagnostics Lab, Erasmus MC, Erasmus Medical Center
Classification: Likely benign. Review status: no assertion criteria provided. Collection method: clinical testing. Allele origin: germline. Affected: yes. Study: VKGL Data-share Consensus. Not counted in ClinVar's aggregate classification.

Genome Diagnostics Laboratory, University Medical Center Utrecht
Classification: Likely benign. Review status: no assertion criteria provided. Collection method: clinical testing. Allele origin: germline. Affected: yes. Study: VKGL Data-share Consensus. Not counted in ClinVar's aggregate classification.

NM_006393.3(NEBL):c.2482A>G (p.Ile828Val)

Gene: NEBL (nebulette; minus strand). Cytogenetic location: 10p12.31.
Variant type: single nucleotide variant.
Coding change: c.2482A>G on transcript NM_006393.3 (MANE Select); coding-DNA position 2482, A replaced by G.
Protein change: p.Ile828Val; replaces isoleucine 828 with valine.
Molecular consequence: missense variant.
Genome position (GRCh38, 1-based): chr10:20,812,805, T>C on the plus strand (A>G on the coding strand, the complement: NEBL is on the minus strand). VCF-style: chr10-20812805-T-C. GRCh37 (hg19) VCF-style: chr10-21101734-T-C.
Other names: p.I828V:ATC>GTC; c.493A>G, p.Ile165Val (NM_001173484.2, NM_001377322.1, NM_213569.2); c.445A>G, p.Ile149Val (NM_001377323.1); c.436A>G, p.Ile146Val (NM_001377324.1); c.427A>G, p.Ile143Val (NM_001377325.1); c.385A>G, p.Ile129Val (NM_001377326.1, NM_001377327.1, NM_001377328.1); short protein forms I165V, I828V, I129V, I143V, I146V, I149V.
Identifiers: ClinVar variation 45494 (VCV000045494.27), dbSNP rs143930021, ClinGen allele CA136435.
Genomic context (GRCh38, chr10:20,812,805, plus strand): 5'-GGCCGACAAACGCCGTCAGCTTACCAACAATGATTCCAGGTCTCCTGTCCATCTCCACGA[T>C]GTGAGGGTGGACCCCTTTATAGGCAGCATCGCTGACCACCTGGGTGTTCTTCCTCACTCT-3'
Protein context (NP_006384.1, residues 818-838): DAAYKGVHPH[Ile828Val]VEMDRRPGII